The following is an entry in ClinVar:

NM_004972.4(JAK2):c.2619C>A (p.Asp873Glu)

Genes: INSL6 (insulin like 6; minus strand), JAK2 (Janus kinase 2; plus strand). Cytogenetic location: 9p24.1.
Variant type: single nucleotide variant.
Coding change: c.2619C>A on transcript NM_004972.4 (MANE Select); coding-DNA position 2619, C replaced by A.
Protein change: p.Asp873Glu; replaces aspartic acid 873 with glutamic acid.
Molecular consequence: missense variant. On other transcripts: non-coding transcript variant (2).
Genome position (GRCh38, 1-based): chr9:5,089,721, C>A. VCF-style: chr9-5089721-C-A. GRCh37 (hg19) VCF-style: chr9-5089721-C-A.
Other names: c.2619C>A, p.Asp873Glu (NM_001322194.2, NM_001322195.2, NM_001322196.2); c.1404C>A, p.Asp468Glu (NM_001322198.2, NM_001322199.2); c.2172C>A, p.Asp724Glu (NM_001322204.2); short protein forms D468E, D724E, D873E.
Identifiers: ClinVar variation 4993787 (VCV004993787.1).

ClinVar aggregate classification (germline): Uncertain significance (1 of 4 stars; one submission).

Conditions:
JAK2-related disorder. Also called: JAK2-related condition.

Submission:

PreventionGenetics, part of Exact Sciences
Classification: Uncertain significance for JAK2-related condition. Last evaluated: 2026-07-14. Review status: criteria provided, single submitter. Criteria: ACMG Guidelines, 2015. Collection method: clinical testing. Allele origin: germline.
Comment: The JAK2 c.2619C>A variant is predicted to result in the amino acid substitution p.Asp873Glu. To our knowledge, this variant has not been reported in the literature or in a large population database (gnomAD), indicating this variant is rare. At this time, the clinical significance of this variant is uncertain due to the absence of conclusive functional and genetic evidence.